The following is an entry in ClinVar:

NM_058216.3(RAD51C):c.405-2A>G

Gene: RAD51C (RAD51 paralog C; plus strand). Cytogenetic location: 17q22.
Variant type: single nucleotide variant.
Coding change: c.405-2A>G on transcript NM_058216.3 (MANE Select); the canonical splice acceptor site of the intron before coding-DNA position 405, A replaced by G.
Molecular consequence: splice acceptor variant.
Genome position (GRCh38, 1-based): chr17:58,696,691, A>G. VCF-style: chr17-58696691-A-G. GRCh37 (hg19) VCF-style: chr17-56774052-A-G.
Other names: c.405-2A>G (NM_058216.1).
Identifiers: ClinVar variation 944301 (VCV000944301.9), dbSNP rs2048020646, ClinGen allele CA400343627.

ClinVar aggregate classification (germline): Pathogenic. Review status: criteria provided, multiple submitters, no conflicts (2 of 4 stars). 2 submissions from 2 submitters: Pathogenic (2). Last evaluated 2026-04-27.

Conditions:
Hereditary cancer-predisposing syndrome. Also called: Hereditary Cancer Syndrome; Neoplastic Syndromes, Hereditary; Tumor predisposition; Hereditary neoplastic syndrome. Identifiers: Orphanet 140162, MedGen C0027672, MeSH D009386, MONDO:0015356.
Fanconi anemia complementation group O. Also called: RAD51C-Related Fanconi Anemia. Identifiers: Orphanet 84, MedGen C3150653, MONDO:0013248, OMIM 613390.

Submissions (2):

Ambry Genetics
Classification: Pathogenic for Hereditary cancer-predisposing syndrome. Last evaluated: 2026-04-27. Review status: criteria provided, single submitter. Criteria: Ambry Variant Classification Scheme 2023. Collection method: clinical testing. Allele origin: germline.
Comment: The c.405-2A>G intronic pathogenic mutation results from an A to G substitution two nucleotides upstream from coding exon 3 in the RAD51C gene. In a homology-directed DNA repair (HDR) assay, this alteration showed a functionally abnormal read-out (Olvera-Le&oacute;n R et al. Cell, 2024 Oct;187:5719-5734.e19). This variant is considered to be rare based on population cohorts in the Genome Aggregation Database (gnomAD). This nucleotide position is highly conserved in available vertebrate species. In silico splice site analysis predicts that this alteration will weaken the native splice acceptor site and will result in the creation or strengthening of a novel splice acceptor site. Variants that disrupt the canonical splice site are expected to cause aberrant splicing, resulting in an abnormal protein or a transcript that is subject to nonsense-mediated mRNA decay. As such, this variant is classified as a disease-causing mutation.

Labcorp Genetics (formerly Invitae), Labcorp
Classification: Pathogenic for Fanconi anemia complementation group O. Last evaluated: 2025-01-15. Review status: criteria provided, single submitter. Criteria: Invitae Variant Classification Sherloc (09022015). Collection method: clinical testing. Allele origin: germline.
Comment: This sequence change affects an acceptor splice site in intron 2 of the RAD51C gene. RNA analysis indicates that disruption of this splice site induces altered splicing and may result in an absent or altered protein product. This variant is not present in population databases (gnomAD no frequency). This variant has not been reported in the literature in individuals affected with RAD51C-related conditions. ClinVar contains an entry for this variant (Variation ID: 944301). Studies have shown that disruption of this splice site alters mRNA splicing and is expected to lead to the loss of protein expression (PMID: 35740625; internal data). For these reasons, this variant has been classified as Pathogenic.

Literature cited by the submitters: PubMed 39299233 (cited by Ambry Genetics); PubMed 35740625 (cited by Labcorp Genetics (formerly Invitae), Labcorp).